The following is an entry in ClinVar:

ClinVar aggregate classification (germline): Likely benign (1 of 4 stars; one submission).

gnomAD v4.1: 15 of 1,614,220 alleles (0.00093%); highest among the groups gnomAD compares: East Asian, 0.0022%; no homozygotes.

Submission:

CeGaT Center for Human Genetics Tuebingen
Classification: Likely benign. Last evaluated: 2024-08-01. Review status: criteria provided, single submitter. Criteria: CeGaT Center For Human Genetics Tuebingen Variant Classification Criteria Version 2. Collection method: clinical testing. Allele origin: germline. Affected: yes. Observed: 1 variant allele.
Comment: POMGNT2: BP4, BP7

NM_032806.6(POMGNT2):c.774C>T (p.Leu258=)

Gene: POMGNT2 (protein O-linked mannose N-acetylglucosaminyltransferase 2 (beta 1,4-); minus strand). Cytogenetic location: 3p22.1.
Variant type: single nucleotide variant.
Coding change: c.774C>T on transcript NM_032806.6 (MANE Select); coding-DNA position 774, C replaced by T.
Protein change: p.Leu258=; no amino-acid change (leucine 258 retained).
Molecular consequence: synonymous variant.
Genome position (GRCh38, 1-based): chr3:43,080,658, G>A on the plus strand (C>T on the coding strand, the complement: POMGNT2 is on the minus strand). VCF-style: chr3-43080658-G-A. GRCh37 (hg19) VCF-style: chr3-43122150-G-A.
Identifiers: ClinVar variation 3341909 (VCV003341909.16).